The following is an entry in ClinVar:

NM_000090.4(COL3A1):c.1330G>A (p.Gly444Arg)

Gene: COL3A1 (collagen type III alpha 1 chain; plus strand). Cytogenetic location: 2q32.2.
Variant type: single nucleotide variant.
Coding change: c.1330G>A on transcript NM_000090.4 (MANE Select); coding-DNA position 1330, G replaced by A.
Protein change: p.Gly444Arg; replaces glycine 444 with arginine.
Molecular consequence: missense variant.
Genome position (GRCh38, 1-based): chr2:188,994,577, G>A. VCF-style: chr2-188994577-G-A. GRCh37 (hg19) VCF-style: chr2-189859303-G-A.
Identifiers: ClinVar variation 101185 (VCV000101185.21), dbSNP rs587779489, ClinGen allele CA004225.
Genomic context (GRCh38, chr2:188,994,577, plus strand): 5'-AACCAAGACTTTGTTATACTTTAGGGTGAGCCTGGTAAGAATGGTGCCAAAGGAGAGCCC[G>A]GACCACGTGGTGAACGCGTAAGTTTTACTGCAACAGATCTGGTTATTTCTTGAAAAAATG-3'
Protein context (NP_000081.2, residues 434-454): PGKNGAKGEP[Gly444Arg]PRGERGEAGI

ClinVar aggregate classification (germline): Pathogenic/Likely pathogenic. Review status: criteria provided, multiple submitters, no conflicts (2 of 4 stars). 7 submissions from 7 submitters: Pathogenic (5); Likely pathogenic (1). 1 of the submissions does not count toward it. Last evaluated 2026-05-26.

Conditions:
Familial thoracic aortic aneurysm and aortic dissection (TAAD). Also called: Thoracic aortic aneurysms and dissections. Identifiers: Orphanet 91387, MedGen C4707243, MONDO:0019625.
Ehlers-Danlos syndrome, type 4 (EDSVASC). Also called: Ehlers-Danlos syndrome vascular type; Ehlers Danlos syndrome, ecchymotic type; Ehlers Danlos syndrome, arterial type; Ehlers Danlos syndrome, Sack-Barabas type; Ehlers-Danlos Syndrome Type IV. Identifiers: Orphanet 286, MedGen C0268338, MONDO:0017314, OMIM 130050.

Submissions (7):

Ambry Genetics
Classification: Likely pathogenic for Familial thoracic aortic aneurysm and aortic dissection. Last evaluated: 2026-05-26. Review status: criteria provided, single submitter. Criteria: Ambry Variant Classification Scheme 2023. Collection method: clinical testing. Allele origin: germline.
Comment: The c.1330G>A (p.G444R) alteration is located in exon 19 (coding exon 19) of the COL3A1 gene. This alteration results from a G to A substitution at nucleotide position 1330, causing the glycine (G) at amino acid position 444 to be replaced by an arginine (R). This variant was not reported in population-based cohorts in the Genome Aggregation Database (gnomAD). This variant was reported in individual(s) with features consistent with COL3A1-related Ehlers-Danlos syndrome (Pepin, 2000; Shimaoka, 2010; Ferr&eacute;, 2012; Zekavat, 2022; Vot&yacute;pka, 2023; Demirdas, 2024; Ambry internal data). This amino acid position is highly conserved in available vertebrate species. Internal structural analysis indicates that this alteration disrupts the characteristic G-X-Y motif in the COL3A1 protein and inserts a bulky side chain into a sterically-constrained region (Bella, 1994; Hohenester, 2008; Ambry internal data). This alteration is predicted to be deleterious by in silico analysis. Based on the available evidence, this alteration is classified as likely pathogenic.

Mayo Clinic Laboratories, Mayo Clinic
Classification: Pathogenic. Last evaluated: 2025-10-24. Review status: criteria provided, single submitter. Criteria: ACMG Guidelines, 2015. Collection method: clinical testing. Allele origin: germline. Observed: 1 variant allele.
Comment: PP2, PP3, PM1_strong, PM2_supporting, PS2, PS4

Labcorp Genetics (formerly Invitae), Labcorp
Classification: Pathogenic for Ehlers-Danlos syndrome, type 4. Last evaluated: 2025-09-20. Review status: criteria provided, single submitter. Criteria: Invitae Variant Classification Sherloc (09022015). Collection method: clinical testing. Allele origin: germline.
Comment: This sequence change replaces glycine, which is neutral and non-polar, with arginine, which is basic and polar, at codon 444 of the COL3A1 protein (p.Gly444Arg). This variant is not present in population databases (gnomAD no frequency). This missense change has been observed in individuals with vascular Ehlers-Danlos syndrome (PMID: 10706896, 20518783, 22492385). This variant is also known as G277R. ClinVar contains an entry for this variant (Variation ID: 101185). Invitae Evidence Modeling of protein sequence and biophysical properties (such as structural, functional, and spatial information, amino acid conservation, physicochemical variation, residue mobility, and thermodynamic stability) indicates that this missense variant is expected to disrupt COL3A1 protein function with a positive predictive value of 95%. This variant disrupts the triple helix domain of COL3A1. Glycine residues within the Gly-Xaa-Yaa repeats of the triple helix domain are required for the structure and stability of fibrillar collagens (PMID: 7695699, 8218237, 19344236). In COL3A1, variants that affect these glycine residues are significantly enriched in individuals with disease (PMID: 24922459, 25758994) compared to the general population (ExAC). For these reasons, this variant has been classified as Pathogenic.

Centre of Medical Genetics, University of Antwerp
Classification: Pathogenic for Familial thoracic aortic aneurysm and aortic dissection. Last evaluated: 2024-09-06. Review status: criteria provided, single submitter. Criteria: ACMG Guidelines, 2015. Collection method: clinical testing. Allele origin: germline. Affected: yes.
Comment: P(PS1; PM1-2; PP2-3, 5)

GeneDx
Classification: Pathogenic. Last evaluated: 2022-12-19. Review status: criteria provided, single submitter. Criteria: GeneDx Variant Classification Process June 2021. Collection method: clinical testing. Allele origin: germline. Affected: yes.
Comment: Not observed at significant frequency in large population cohorts (gnomAD); In silico analysis supports that this missense variant has a deleterious effect on protein structure/function; Occurs in the triple helical domain and replaces the glycine in the canonical Gly-X-Y repeat; missense substitution of a canonical glycine residue is expected to disrupt normal protein folding and function, and this is an established mechanism of disease (HGMD); Also known as p.(G277R); Reported in ClinVar as pathogenic (ClinVar Variant ID# 101185; ClinVar); This variant is associated with the following publications: (PMID: 22492385, 24922459, 10706896, 31353273, 30474650, 30919682, 33851936, 20518783)

Institute for Medical Genetics and Human Genetics, Charité - Universitätsmedizin Berlin
Classification: Pathogenic for Ehlers-Danlos syndrome, type 4. Last evaluated: 2022-09-22. Review status: criteria provided, single submitter. Criteria: ACMG Guidelines, 2015. Collection method: clinical testing. Allele origin: germline. Inheritance: Autosomal dominant inheritance. Affected: yes. Observed: 1 heterozygote.

Collagen Diagnostic Laboratory, University of Washington
Classification: Pathogenic for Ehlers-Danlos syndrome, type 4. Review status: no assertion criteria provided. Collection method: clinical testing. Allele origin: germline. Affected: yes. Not counted in ClinVar's aggregate classification.

Literature cited by the submitters: PubMed 7695699 (cited by Ambry Genetics and Labcorp Genetics (formerly Invitae), Labcorp); PubMed 10706896 (cited by 3 submitters); PubMed 19011090 (cited by Ambry Genetics); PubMed 20518783 (cited by 3 submitters); PubMed 22492385 (cited by 3 submitters); PubMed 35234813 (cited by Ambry Genetics and Mayo Clinic Laboratories, Mayo Clinic); PubMed 37178278 (cited by Ambry Genetics); PubMed 38623759 (cited by Ambry Genetics); PubMed 24922459 (cited by Mayo Clinic Laboratories, Mayo Clinic and Labcorp Genetics (formerly Invitae), Labcorp); PubMed 25758994 (cited by Mayo Clinic Laboratories, Mayo Clinic and Labcorp Genetics (formerly Invitae), Labcorp); PubMed 30474650 (cited by Mayo Clinic Laboratories, Mayo Clinic); PubMed 30919682 (cited by Mayo Clinic Laboratories, Mayo Clinic); PubMed 35803546 (cited by Mayo Clinic Laboratories, Mayo Clinic); PubMed 36189931 (cited by Mayo Clinic Laboratories, Mayo Clinic); PubMed 8218237 (cited by Labcorp Genetics (formerly Invitae), Labcorp); PubMed 19344236 (cited by Labcorp Genetics (formerly Invitae), Labcorp).